The following is an entry in ClinVar:

NM_006767.4(LZTR1):c.946G>T (p.Val316Leu)

Gene: LZTR1 (leucine zipper like post translational regulator 1; plus strand). Cytogenetic location: 22q11.21.
Variant type: single nucleotide variant.
Coding change: c.946G>T on transcript NM_006767.4 (MANE Select); coding-DNA position 946, G replaced by T.
Protein change: p.Val316Leu; replaces valine 316 with leucine.
Molecular consequence: missense variant.
Genome position (GRCh38, 1-based): chr22:20,991,782, G>T. VCF-style: chr22-20991782-G-T. GRCh37 (hg19) VCF-style: chr22-21346071-G-T.
Other names: short protein forms V316L.
Identifiers: ClinVar variation 4740441 (VCV004740441.1).
Genomic context (GRCh38, chr22:20,991,782, plus strand): 5'-CTCTATGTGTTTGGGGGTGCGGCCGACAACACGCTGCCCAACGAGCTGCACTGCTATGAC[G>T]TGGACTTCCAGACCTGGGAGGTCGTCCAGCCCAGCTCCGACAGCGAGGTGAGGGTGCCCA-3'
Protein context (NP_006758.2, residues 306-326): TLPNELHCYD[Val316Leu]DFQTWEVVQP

ClinVar aggregate classification (germline): Uncertain significance (1 of 4 stars; one submission).

Submission:

Labcorp Genetics (formerly Invitae), Labcorp
Classification: Uncertain significance. Last evaluated: 2025-07-02. Review status: criteria provided, single submitter. Criteria: Invitae Variant Classification Sherloc (09022015). Collection method: clinical testing. Allele origin: germline.
Comment: This sequence change replaces valine, which is neutral and non-polar, with leucine, which is neutral and non-polar, at codon 316 of the LZTR1 protein (p.Val316Leu). This variant is not present in population databases (gnomAD no frequency). This variant has not been reported in the literature in individuals affected with LZTR1-related conditions. Invitae Evidence Modeling of protein sequence and biophysical properties (such as structural, functional, and spatial information, amino acid conservation, physicochemical variation, residue mobility, and thermodynamic stability) indicates that this missense variant is not expected to disrupt LZTR1 protein function with a negative predictive value of 80%. In summary, the available evidence is currently insufficient to determine the role of this variant in disease. Therefore, it has been classified as a Variant of Uncertain Significance.